The following is an entry in ClinVar:

NM_194454.3(KRIT1):c.601C>G (p.Gln201Glu)

Gene: KRIT1 (KRIT1 ankyrin repeat containing; minus strand). Cytogenetic location: 7q21.2.
Variant type: single nucleotide variant.
Coding change: c.601C>G on transcript NM_194454.3 (MANE Select); coding-DNA position 601, C replaced by G.
Protein change: p.Gln201Glu; replaces glutamine 201 with glutamic acid.
Molecular consequence: missense variant. On other transcripts: intron variant (1).
Genome position (GRCh38, 1-based): chr7:92,235,531, G>C on the plus strand (C>G on the coding strand, the complement: KRIT1 is on the minus strand). VCF-style: chr7-92235531-G-C. GRCh37 (hg19) VCF-style: chr7-91864845-G-C.
Other names: c.601C>G, p.Gln201Glu (NM_001013406.2, NM_001350669.1, NM_001350670.1 and 29 more transcripts); c.15+3C>G (NM_001350671.1); short protein forms Q201E.
Identifiers: ClinVar variation 5726 (VCV000005726.6), dbSNP rs137853140, ClinGen allele CA253589.

ClinVar aggregate classification (germline): Pathogenic. Review status: criteria provided, multiple submitters, no conflicts (2 of 4 stars). 4 submissions from 4 submitters: Pathogenic (3). 1 of the submissions does not count toward it. Last evaluated 2023-02-05.

Conditions:
KRIT1-related disorder. Also called: KRIT1-related condition; KRIT1-related disorders.
Cerebral cavernous malformation (CCM). Also called: CAVERNOUS ANGIOMA, FAMILIAL; CAVERNOUS ANGIOMATOUS MALFORMATIONS; CEREBRAL CAPILLARY MALFORMATIONS; Cerebral cavernous malformations; Cavernous Hemangioma of Brain; Cerebral cavernous hemangioma (type). Identifiers: Orphanet 221061, MedGen C2919945, MONDO:0000820, OMIM 116860, HP:0033522.
Cerebral cavernous malformation 1. Also called: Familial Cerebral Cavernous Malformation 1; Cerebral cavernous malformations 1. Identifiers: MedGen C1366911, MONDO:0020724.

Submissions (4):

Labcorp Genetics (formerly Invitae), Labcorp
Classification: Pathogenic for Cerebral cavernous malformation. Last evaluated: 2023-02-05. Review status: criteria provided, single submitter. Criteria: Invitae Variant Classification Sherloc (09022015). Collection method: clinical testing. Allele origin: germline.
Comment: For these reasons, this variant has been classified as Pathogenic. Algorithms developed to predict the effect of sequence changes on RNA splicing suggest that this variant may disrupt the consensus splice site. This sequence change replaces glutamine, which is neutral and polar, with glutamic acid, which is acidic and polar, at codon 201 of the KRIT1 protein (p.Gln201Glu). This variant is not present in population databases (gnomAD no frequency). This missense change has been observed in individual(s) with cerebral cavernous malformations (PMID: 24007869). It has also been observed to segregate with disease in related individuals. ClinVar contains an entry for this variant (Variation ID: 5726). Advanced modeling of protein sequence and biophysical properties (such as structural, functional, and spatial information, amino acid conservation, physicochemical variation, residue mobility, and thermodynamic stability) performed at Invitae indicates that this missense variant is not expected to disrupt KRIT1 protein function.

Blueprint Genetics
Classification: Pathogenic for KRIT1-related disorders. Last evaluated: 2022-06-20. Review status: criteria provided, single submitter. Criteria: ACMG Guidelines, 2015. Collection method: clinical testing. Allele origin: germline. Affected: yes. Observed: 1 variant allele.

GeneDx
Classification: Pathogenic. Last evaluated: 2017-08-02. Review status: criteria provided, single submitter. Criteria: GeneDx Variant Classification (06012015). Collection method: clinical testing. Allele origin: germline. Affected: yes.
Comment: The Q201E variant has been published previously in association with familial cerebral cavernous malformation (CCM) (Verlaan et al., 2002; Battistini et al., 2007; Haghighi et al., 2013). The variant is not observed in large population cohorts (Lek et al., 2016; 1000 Genomes Consortium et al., 2015; Exome Variant Server). Q201E is a semi-conservative amino acid substitution, which may impact secondary protein structure as these residues differ in some properties. Several in-silico splice prediction models predict that c.601 C>G creates a cryptic donor site which supplants the natural donor site and leads to abnormal gene splicing. Additionally, RNA studies have shown the variant causes a portion of exon 9 (referred to as exon 8 in the publication) to be lost, resulting in a frameshift variant (Verlaan et al., 2002). In summary, we consider this variant to be pathogenic.

OMIM
Classification: Pathogenic for CEREBRAL CAVERNOUS MALFORMATIONS 1. Last evaluated: 2007-06-01. Review status: no assertion criteria provided. Collection method: literature only. Allele origin: germline. Not counted in ClinVar's aggregate classification.

Literature cited by the submitters: PubMed 24007869 (cited by Labcorp Genetics (formerly Invitae), Labcorp); PubMed 11941540 (cited by OMIM); PubMed 17562932 (cited by OMIM).